The following is an entry in ClinVar:

ClinVar aggregate classification (germline): Benign/Likely benign. Review status: criteria provided, multiple submitters, no conflicts (2 of 4 stars). 5 submissions from 5 submitters: Benign (1); Likely benign (4). Last evaluated 2026-02-03.

Conditions:
Nicolaides-Baraitser syndrome (NCBRS). Also called: SMARCA2-Related Nicolaides-Baraitser Syndrome; Intellectual disability-sparse hair-brachydactyly syndrome. Identifiers: Orphanet 3051, MedGen C1303073, MONDO:0011053, OMIM 601358.
Inborn genetic diseases. Identifiers: MedGen C0950123, MeSH D030342.
Ehlers-Danlos syndrome (EDS). Identifiers: Orphanet 98249, MedGen C0013720, MONDO:0020066.

Allele frequency attached by ClinVar (database versions not stated): ExAC 0.00002; gnomAD exomes 0.00002 and 0.00007; gnomAD 0.00001; TOPMed 0.00001.
gnomAD v4.1: 104 of 1,613,840 alleles (0.0064%); highest among the groups gnomAD compares: Non-Finnish European, 0.0087%; no homozygotes.

Submissions (5):

Labcorp Genetics (formerly Invitae), Labcorp
Classification: Likely benign. Last evaluated: 2026-02-03. Review status: criteria provided, single submitter. Criteria: Invitae Variant Classification Sherloc (09022015). Collection method: clinical testing. Allele origin: germline.

CeGaT Center for Human Genetics Tuebingen
Classification: Likely benign. Last evaluated: 2024-09-01. Review status: criteria provided, single submitter. Criteria: CeGaT Center For Human Genetics Tuebingen Variant Classification Criteria Version 2. Collection method: clinical testing. Allele origin: germline. Affected: yes. Observed: 1 variant allele.
Comment: SMARCA2: BS1

Ambry Genetics
Classification: Likely benign for Inborn genetic diseases. Last evaluated: 2023-04-12. Review status: criteria provided, single submitter. Criteria: Ambry Variant Classification Scheme 2023. Collection method: clinical testing. Allele origin: germline.

Cambridge Genomics Laboratory, East Genomic Laboratory Hub, NHS Genomic Medicine Service
Classification: Benign for Ehlers-Danlos syndrome. Last evaluated: 2019-10-16. Review status: criteria provided, single submitter. Criteria: ACGS Best Practice Guidelines for Variant Classification in Rare Disease 2020. Collection method: clinical testing. Allele origin: germline. Affected: yes. Observed: 1 variant allele.

Illumina Laboratory Services, Illumina
Classification: Likely benign for Nicolaides-Baraitser syndrome. Last evaluated: 2018-01-12. Review status: criteria provided, single submitter. Criteria: ICSL Variant Classification Criteria 13 December 2019. Collection method: clinical testing. Allele origin: germline.
Comment: This variant was observed in the ICSL laboratory as part of a predisposition screen in an ostensibly healthy population. It had not been previously curated by ICSL or reported in the Human Gene Mutation Database (HGMD: prior to June 1st, 2018), and was therefore a candidate for classification through an automated scoring system. Utilizing variant allele frequency, disease prevalence and penetrance estimates, and inheritance mode, an automated score was calculated to assess if this variant is too frequent to cause the disease. Based on the score and internal cut-off values, a variant classified as likely benign is not then subjected to further curation. The score for this variant resulted in a classification of likely benign for this disease.

NM_003070.5(SMARCA2):c.4080T>G (p.Asp1360Glu)

Gene: SMARCA2 (SWI/SNF related BAF chromatin remodeling complex subunit ATPase 2; plus strand). Cytogenetic location: 9p24.3.
Variant type: single nucleotide variant.
Coding change: c.4080T>G on transcript NM_003070.5 (MANE Select); coding-DNA position 4080, T replaced by G.
Protein change: p.Asp1360Glu; replaces aspartic acid 1360 with glutamic acid.
Molecular consequence: missense variant.
Genome position (GRCh38, 1-based): chr9:2,161,784, T>G. VCF-style: chr9-2161784-T-G. GRCh37 (hg19) VCF-style: chr9-2161784-T-G.
Other names: c.4080T>G, p.Asp1360Glu (NM_001289396.2, NM_139045.4); c.3906T>G, p.Asp1302Glu (NM_001289397.2); c.108T>G, p.Asp36Glu (NM_001289398.2); c.192T>G, p.Asp64Glu (NM_001289399.2); c.198T>G, p.Asp66Glu (NM_001289400.2); short protein forms D66E, D1360E, D36E, D1302E, D64E.
Identifiers: ClinVar variation 914996 (VCV000914996.25), dbSNP rs751758557, ClinGen allele CA4964005.